The following is an entry in ClinVar:

ClinVar aggregate classification (germline): Uncertain significance. Review status: criteria provided, multiple submitters, no conflicts (2 of 4 stars). 2 submissions from 2 submitters: Uncertain significance (2). Last evaluated 2026-03-15.

Conditions:
Cardiomyopathy (CMYO). Also called: Cardiomyopathies. Identifiers: Orphanet 167848, MedGen C0878544, MONDO:0004994, HP:0001638. Inheritance: Various modes of inheritance.

gnomAD v4.1: 6 of 1,593,932 alleles (0.00038%); highest among the groups gnomAD compares: Non-Finnish European, 0.00051%; no homozygotes.

Submissions (2):

GeneDx
Classification: Uncertain significance. Last evaluated: 2026-03-15. Review status: criteria provided, single submitter. Criteria: GeneDx Variant Classification Process June 2021. Collection method: clinical testing. Allele origin: germline.
Comment: Not observed at significant frequency in large population cohorts (gnomAD); In silico analysis supports that this missense variant has a deleterious effect on protein structure/function; Has not been previously published as pathogenic or benign to our knowledge

Color Diagnostics, LLC DBA Color Health
Classification: Uncertain significance for Cardiomyopathy. Last evaluated: 2025-06-23. Review status: criteria provided, single submitter. Criteria: ACMG Guidelines, 2015. Collection method: clinical testing. Allele origin: germline.
Comment: This missense variant replaces glutamic acid with alanine at codon 314 of the MYBPC3 protein. Computational prediction suggests that this variant may not impact protein structure and function. To our knowledge, functional studies have not been reported for this variant. This variant has not been reported in individuals affected with MYBPC3-related disorders in the literature. This variant has been identified in 1/31380 chromosomes in the general population by the Genome Aggregation Database (gnomAD). The available evidence is insufficient to determine the role of this variant in disease conclusively. Therefore, this variant is classified as a Variant of Uncertain Significance.

NM_000256.3(MYBPC3):c.941A>C (p.Glu314Ala)

Gene: MYBPC3 (myosin binding protein C3; minus strand). Cytogenetic location: 11p11.2.
Variant type: single nucleotide variant.
Coding change: c.941A>C on transcript NM_000256.3 (MANE Select); coding-DNA position 941, A replaced by C.
Protein change: p.Glu314Ala; replaces glutamic acid 314 with alanine.
Molecular consequence: missense variant.
Genome position (GRCh38, 1-based): chr11:47,346,356, T>G on the plus strand (A>C on the coding strand, the complement: MYBPC3 is on the minus strand). VCF-style: chr11-47346356-T-G. GRCh37 (hg19) VCF-style: chr11-47367907-T-G.
Other names: short protein forms E314A.
Identifiers: ClinVar variation 4756870 (VCV004756870.2).